The following is an entry in ClinVar:

ClinVar aggregate classification (germline): Pathogenic (1 of 4 stars; one submission).

Conditions:
Developmental and epileptic encephalopathy, 11 (DEE11). Also called: Early infantile epileptic encephalopathy 11. Identifiers: Orphanet 1934, MedGen C3150987, MONDO:0013388, OMIM 613721.
Seizures, benign familial infantile, 3 (BFIS3). Also called: Familial neonatal seizures; CONVULSIONS, BENIGN FAMILIAL INFANTILE, 3. Identifiers: Orphanet 140927, Orphanet 306, MedGen C1843140, MONDO:0011904, OMIM 607745.

Submission:

Labcorp Genetics (formerly Invitae), Labcorp
Classification: Pathogenic for Seizures, benign familial infantile, 3; Developmental and epileptic encephalopathy, 11. Last evaluated: 2022-02-09. Review status: criteria provided, single submitter. Criteria: Invitae Variant Classification Sherloc (09022015). Collection method: clinical testing. Allele origin: germline.
Comment: This variant has not been reported in the literature in individuals affected with SCN2A-related conditions. This variant is a gross deletion of the genomic region encompassing exon(s) 18-27 of the SCN2A gene, which includes the termination codon. This deletion extends beyond the assayed region for this gene and therefore may encompass additional genes. While this deletion is not anticipated to lead to nonsense mediated decay, it is expected to alter mRNA translation or result in a truncated protein product. This variant disrupts a region of the SCN2A protein in which other variant(s) (p.Gln1904Argfs*22) have been determined to be pathogenic (PMID: 27824329). This suggests that this is a clinically significant region of the protein, and that variants that disrupt it are likely to be disease-causing. For these reasons, this variant has been classified as Pathogenic.

Literature cited by the submitters: PubMed 27824329.

NC_000002.12:g.(?_165365123)_(165389844_?)del

Gene: SCN2A (sodium voltage-gated channel alpha subunit 2; plus strand). Cytogenetic location: 2q24.3.
Variant type: Deletion.
Identifiers: ClinVar variation 583829 (VCV000583829.4).